The following is an entry in ClinVar:

ClinVar aggregate classification (germline): Uncertain significance. Review status: criteria provided, multiple submitters, no conflicts (2 of 4 stars). 2 submissions from 2 submitters: Uncertain significance (2). Last evaluated 2022-06-15.

Conditions:
Nephronophthisis. Also called: Juvenile Nephronophthisis. Identifiers: Orphanet 655, MedGen C0687120, MONDO:0019005, HP:0000090.

Allele frequency attached by ClinVar (database versions not stated): gnomAD exomes below 0.00001; ExAC 0.00002; gnomAD 0.00004; TOPMed 0.00008; ESP Exome Variant Server 0.00015.
gnomAD v4.1: 14 of 1,613,638 alleles (0.00087%); highest among the groups gnomAD compares: African/African-American, 0.016%; no homozygotes.

Submissions (2):

Blueprint Genetics
Classification: Uncertain significance. Last evaluated: 2022-06-15. Review status: criteria provided, single submitter. Criteria: ACMG Guidelines, 2015. Collection method: clinical testing. Allele origin: germline.

Labcorp Genetics (formerly Invitae), Labcorp
Classification: Uncertain significance for Nephronophthisis. Last evaluated: 2022-06-09. Review status: criteria provided, single submitter. Criteria: Invitae Variant Classification Sherloc (09022015). Collection method: clinical testing. Allele origin: germline.
Comment: This sequence change replaces histidine, which is basic and polar, with arginine, which is basic and polar, at codon 397 of the IQCB1 protein (p.His397Arg). This variant is present in population databases (rs149316254, gnomAD 0.02%). This variant has not been reported in the literature in individuals affected with IQCB1-related conditions. Algorithms developed to predict the effect of missense changes on protein structure and function are either unavailable or do not agree on the potential impact of this missense change (SIFT: "Tolerated"; PolyPhen-2: "Possibly Damaging"; Align-GVGD: "Class C0"). In summary, the available evidence is currently insufficient to determine the role of this variant in disease. Therefore, it has been classified as a Variant of Uncertain Significance.

NM_001023570.4(IQCB1):c.1190A>G (p.His397Arg)

Gene: IQCB1 (IQ motif containing B1; minus strand). Cytogenetic location: 3q13.33.
Variant type: single nucleotide variant.
Coding change: c.1190A>G on transcript NM_001023570.4 (MANE Select); coding-DNA position 1190, A replaced by G.
Protein change: p.His397Arg; replaces histidine 397 with arginine.
Molecular consequence: missense variant. On other transcripts: non-coding transcript variant (1).
Genome position (GRCh38, 1-based): chr3:121,788,372, T>C on the plus strand (A>G on the coding strand, the complement: IQCB1 is on the minus strand). VCF-style: chr3-121788372-T-C. GRCh37 (hg19) VCF-style: chr3-121507219-T-C.
Other names: c.791A>G, p.His264Arg (NM_001023571.4); c.1190A>G, p.His397Arg (NM_001319107.2); short protein forms H264R, H397R.
Identifiers: ClinVar variation 2163278 (VCV002163278.2), dbSNP rs149316254, ClinGen allele CA2567175.